The following is an entry in ClinVar:

NM_000693.4(ALDH1A3):c.1036C>A (p.Pro346Thr)

Genes: ALDH1A3 (aldehyde dehydrogenase 1 family member A3; plus strand), ALDH1A3-AS1 (ALDH1A3 antisense RNA 1; minus strand). Cytogenetic location: 15q26.3.
Variant type: single nucleotide variant.
Coding change: c.1036C>A on transcript NM_000693.4 (MANE Select); coding-DNA position 1036, C replaced by A.
Protein change: p.Pro346Thr; replaces proline 346 with threonine.
Molecular consequence: missense variant.
Genome position (GRCh38, 1-based): chr15:100,900,727, C>A. VCF-style: chr15-100900727-C-A. GRCh37 (hg19) VCF-style: chr15-101440932-C-A.
Other names: c.715C>A, p.Pro239Thr (NM_001293815.2); short protein forms P239T, P346T.
Identifiers: ClinVar variation 4883105 (VCV004883105.2).
Genomic context (GRCh38, chr15:100,900,727, plus strand): 5'-GTCTACTCTGAGTTTGTCAGGCGGAGCGTGGAGTATGCCAAGAAACGGCCCGTGGGAGAC[C>A]CCTTCGATGTCAAAACAGAACAGGGGCCTCAGGTAATCCCCCTGGTGTGTGTGAAACCAT-3'
Protein context (NP_000684.2, residues 336-356): EYAKKRPVGD[Pro346Thr]FDVKTEQGPQ

ClinVar aggregate classification (germline): Uncertain significance (1 of 4 stars; one submission).

Conditions:
Isolated microphthalmia 8. Identifiers: Orphanet 2542, MedGen C3554524, MONDO:0014050, OMIM 615113.

gnomAD v4.1: 2 of 1,614,100 alleles (0.00012%); highest among the groups gnomAD compares: Non-Finnish European, 0.00017%; no homozygotes.

Submission:

Dasa
Classification: Uncertain significance for Isolated microphthalmia 8. Last evaluated: 2025-09-20. Review status: criteria provided, single submitter. Criteria: DASA Assertion Criteria. Collection method: clinical testing. Allele origin: germline.
Comment: NM_000693.4(ALDH1A3):c.1036C>A (p.Pro346Thr) is a missense variant that results in the substitution of proline with threonine. This variant has been reported in individuals with ALDH1A3-related disorders (PMID: 39746838). Also, this variant is rare in population databases. Computational prediction algorithms are consistent with a deleterious effect. The currently available literature and clinical evidence are not sufficient to establish a definitive association between this variant and the reported condition. Therefore, this variant is classified as a variant of uncertain significance.

Literature cited by the submitters: PubMed 39746838.